The following is an entry in ClinVar:

ClinVar aggregate classification (germline): Uncertain significance (1 of 4 stars; one submission).

Submission:

Labcorp Genetics (formerly Invitae), Labcorp
Classification: Uncertain significance. Last evaluated: 2024-05-23. Review status: criteria provided, single submitter. Criteria: Invitae Variant Classification Sherloc (09022015). Collection method: clinical testing. Allele origin: germline.
Comment: This sequence change replaces valine, which is neutral and non-polar, with isoleucine, which is neutral and non-polar, at codon 182 of the IRF4 protein (p.Val182Ile). This variant is present in population databases (rs781586995, gnomAD 0.0009%). This variant has not been reported in the literature in individuals affected with IRF4-related conditions. An algorithm developed to predict the effect of missense changes on protein structure and function (PolyPhen-2) suggests that this variant is likely to be tolerated. In summary, the available evidence is currently insufficient to determine the role of this variant in disease. Therefore, it has been classified as a Variant of Uncertain Significance.

NM_002460.4(IRF4):c.544G>A (p.Val182Ile)

Gene: IRF4 (interferon regulatory factor 4; plus strand). Cytogenetic location: 6p25.3.
Variant type: single nucleotide variant.
Coding change: c.544G>A on transcript NM_002460.4 (MANE Select); coding-DNA position 544, G replaced by A.
Protein change: p.Val182Ile; replaces valine 182 with isoleucine.
Molecular consequence: missense variant. On other transcripts: non-coding transcript variant (1).
Genome position (GRCh38, 1-based): chr6:397,159, G>A. VCF-style: chr6-397159-G-A. GRCh37 (hg19) VCF-style: chr6-397159-G-A.
Other names: c.541G>A, p.Val181Ile (NM_001195286.2); short protein forms V181I, V182I.
Identifiers: ClinVar variation 3615697 (VCV003615697.2).